The following is an entry in ClinVar:

ClinVar aggregate classification (germline): Pathogenic (1 of 4 stars; one submission).

Submission:

Labcorp Genetics (formerly Invitae), Labcorp
Classification: Pathogenic. Last evaluated: 2024-01-02. Review status: criteria provided, single submitter. Criteria: Invitae Variant Classification Sherloc (09022015). Collection method: clinical testing. Allele origin: germline.
Comment: This sequence change creates a premature translational stop signal (p.Met250Ilefs*29) in the PRPF31 gene. It is expected to result in an absent or disrupted protein product. Loss-of-function variants in PRPF31 are known to be pathogenic (PMID: 18317597, 23950152). This variant is not present in population databases (gnomAD no frequency). This variant has not been reported in the literature in individuals affected with PRPF31-related conditions. ClinVar contains an entry for this variant (Variation ID: 2108643). For these reasons, this variant has been classified as Pathogenic.

Literature cited by the submitters: PubMed 18317597; PubMed 23950152.

NM_015629.4(PRPF31):c.749dup (p.Met250fs)

Gene: PRPF31 (pre-mRNA processing factor 31; plus strand). Cytogenetic location: 19q13.42.
Variant type: Duplication.
Coding change: c.749dup on transcript NM_015629.4 (MANE Select); coding-DNA position 749, one base duplicated (T; older notation c.749dupT).
Protein change: p.Met250fs; shifts the reading frame from methionine 250.
Molecular consequence: frameshift variant.
Genome position (GRCh38, 1-based): chr19:54,124,550, T duplicated. VCF-style (leftmost placement, unchanged base first): chr19-54124549-A-AT. GRCh37 (hg19) VCF-style: chr19-54627928-A-AT.
Other names: short protein forms M250fs.
Identifiers: ClinVar variation 2108643 (VCV002108643.4), dbSNP rs2516156843, ClinGen allele CA2580097782.
Genomic context (GRCh38, chr19:54,124,549, plus strand): 5'-CCCACCGCAGGTGTGGCCGGCGGCCTGACCAACCTCTCCAAGATGCCCGCCTGCAACATC[A>AT]TGCTGCTCGGGGCCCAGCGCAAGACGCTGTCGGGCTTCTCGTCTACCTCAGTGCTGCCCC-3'